The following is an entry in ClinVar:

NM_033305.3(VPS13A):c.4260del (p.Arg1421fs)

Gene: VPS13A (vacuolar protein sorting 13 homolog A; plus strand). Cytogenetic location: 9q21.2.
Variant type: Deletion.
Coding change: c.4260del on transcript NM_033305.3 (MANE Select); coding-DNA position 4260, one base deleted (T; older notation c.4260delT).
Protein change: p.Arg1421fs; shifts the reading frame from arginine 1421.
Molecular consequence: frameshift variant.
Genome position (GRCh38, 1-based): chr9:77,314,512, T deleted; the last of 2 consecutive T bases (chr9:77,314,511-77,314,512); deleting either gives the same sequence. VCF-style (leftmost placement, unchanged base first): chr9-77314510-GT-G. GRCh37 (hg19) VCF-style: chr9-79929426-GT-G.
Other names: c.4143del, p.Arg1382fs (NM_001018037.2); c.4260del, p.Arg1421fs (NM_001018038.3, NM_015186.4); short protein forms R1382fs, R1421fs.
Identifiers: ClinVar variation 5015929 (VCV005015929.1).

ClinVar aggregate classification (germline): Pathogenic (1 of 4 stars; one submission).

Conditions:
VPS13A-related neurodegenerative disease. Also called: ACANTHOCYTOSIS WITH NEUROLOGIC DISORDER; LEVINE-CRITCHLEY SYNDROME; Choreoacanthocytosis; Chorea-acanthocytosis; Choreaacanthocytosis; VPS13A Disease. Identifiers: Orphanet 2388, MedGen C0393576, MONDO:0008695, OMIM 200150.

Submission:

Myriad Genetics, Inc.
Classification: Pathogenic for VPS13A-related neurodegenerative disease. Last evaluated: 2026-05-18. Review status: criteria provided, single submitter. Criteria: Myriad Autosomal Dominant, Autosomal Recessive and X-Linked Classification Criteria (2023). Collection method: clinical testing. Allele origin: unknown.
Comment: NM_033305.2(VPS13A):c.4260delT(R1421Vfs*5) is expected to be pathogenic in the context of VPS13A disease. This variant is predicted to lead to an abnormal or absent protein product due to the creation of a premature termination codon in VPS13A, a gene where loss-of-function variants are known to be pathogenic. Please note: this variant was assessed in the context of healthy population screening.